The following is an entry in ClinVar:

NM_025099.6(CTC1):c.647+4A>G

Gene: CTC1 (CST telomere replication complex component 1; minus strand). Cytogenetic location: 17p13.1.
Variant type: single nucleotide variant.
Coding change: c.647+4A>G on transcript NM_025099.6 (MANE Select); 4 bases into the intron after coding-DNA position 647, A replaced by G.
Molecular consequence: intron variant.
Genome position (GRCh38, 1-based): chr17:8,238,027, T>C on the plus strand (A>G on the coding strand, the complement: CTC1 is on the minus strand). VCF-style: chr17-8238027-T-C. GRCh37 (hg19) VCF-style: chr17-8141345-T-C.
Identifiers: ClinVar variation 1039041 (VCV001039041.5), dbSNP rs751360780, ClinGen allele CA8372594.

ClinVar aggregate classification (germline): Uncertain significance (1 of 4 stars; one submission).

Conditions:
Dyskeratosis congenita. Identifiers: Orphanet 1775, MedGen C0265965, MONDO:0015780.

Allele frequency attached by ClinVar (database versions not stated): gnomAD exomes below 0.00001; ExAC 0.00001; gnomAD 0.00002.
gnomAD v4.1: 5 of 1,610,364 alleles (0.00031%); highest among the groups gnomAD compares: African/African-American, 0.0053%; no homozygotes.

Submission:

Labcorp Genetics (formerly Invitae), Labcorp
Classification: Uncertain significance for Dyskeratosis congenita. Last evaluated: 2025-08-31. Review status: criteria provided, single submitter. Criteria: Invitae Variant Classification Sherloc (09022015). Collection method: clinical testing. Allele origin: germline.
Comment: This sequence change falls in intron 4 of the CTC1 gene. It does not directly change the encoded amino acid sequence of the CTC1 protein. It affects a nucleotide within the consensus splice site. This variant is present in population databases (rs751360780, gnomAD 0.008%). This variant has not been reported in the literature in individuals affected with CTC1-related conditions. ClinVar contains an entry for this variant (Variation ID: 1039041). Variants that disrupt the consensus splice site are a relatively common cause of aberrant splicing (PMID: 17576681, 9536098). Algorithms developed to predict the effect of sequence changes on RNA splicing suggest that this variant may disrupt the consensus splice site. In summary, the available evidence is currently insufficient to determine the role of this variant in disease. Therefore, it has been classified as a Variant of Uncertain Significance.

Literature cited by the submitters: PubMed 17576681; PubMed 9536098.